The following is an entry in ClinVar:

NM_001205019.2(GK):c.950A>C (p.Asp317Ala)

Genes: GK (glycerol kinase; plus strand), GK-AS1 (GK antisense RNA 1; minus strand). Cytogenetic location: Xp21.2.
Variant type: single nucleotide variant.
Coding change: c.950A>C on transcript NM_001205019.2 (MANE Select); coding-DNA position 950, A replaced by C.
Protein change: p.Asp317Ala; replaces aspartic acid 317 with alanine.
Molecular consequence: missense variant. On other transcripts: non-coding transcript variant (8).
Genome position (GRCh38, 1-based): chrX:30,708,109, A>C. VCF-style: chrX-30708109-A-C. GRCh37 (hg19) VCF-style: chrX-30726226-A-C.
Other names: c.932A>C, p.Asp311Ala (NM_000167.6, NM_001128127.3); c.1016A>C, p.Asp339Ala (NM_001399987.1, NM_001437590.1); c.950A>C, p.Asp317Ala (NM_203391.4); short protein forms D311A, D317A, D339A.
Identifiers: ClinVar variation 4535412 (VCV004535412.6).
Genomic context (GRCh38, chrX:30,708,109, plus strand): 5'-TACAGTGTGTATTTTCTGATCATGGCCTTCTCACCACAGTGGCTTACAAACTTGGCAGAG[A>C]CAAACCAGTATATTATGCTTTGGAAGTAAGTTCTTTTTAATCAATATGGATAATATGACA-3'
Protein context (NP_001191948.1, residues 307-327): LTTVAYKLGR[Asp317Ala]KPVYYALEGS

ClinVar aggregate classification (germline): Uncertain significance (1 of 4 stars; one submission).

Submission:

CeGaT Center for Human Genetics Tuebingen
Classification: Uncertain significance. Last evaluated: 2025-12-01. Review status: criteria provided, single submitter. Criteria: CeGaT Center For Human Genetics Tuebingen Variant Classification Criteria Version 2. Collection method: clinical testing. Allele origin: germline. Affected: yes. Observed: 1 variant allele.
Comment: GK: PM2